The following is an entry in ClinVar:

ClinVar aggregate classification (germline): Likely benign. Review status: criteria provided, multiple submitters, no conflicts (2 of 4 stars). 2 submissions from 2 submitters: Likely benign (2). Last evaluated 2023-08-23.

Conditions:
Glycogen storage disease, type V (GSD5). Also called: MYOPHOSPHORYLASE DEFICIENCY; MCARDLE DISEASE; MUSCLE GLYCOGEN PHOSPHORYLASE DEFICIENCY; PYGM DEFICIENCY; McArdle type glycogen storage disease. Identifiers: Orphanet 368, MedGen C0017924, MONDO:0009293, OMIM 232600.

gnomAD v4.1: 1 of 1,600,438 alleles (0.000062%); highest among the groups gnomAD compares: Non-Finnish European, 0.000086%; no homozygotes.

Submissions (2):

Labcorp Genetics (formerly Invitae), Labcorp
Classification: Likely benign for Glycogen storage disease, type V. Last evaluated: 2023-08-23. Review status: criteria provided, single submitter. Criteria: Invitae Variant Classification Sherloc (09022015). Collection method: clinical testing. Allele origin: germline.

GeneDx
Classification: Likely benign. Last evaluated: 2016-10-14. Review status: criteria provided, single submitter. Criteria: GeneDx Variant Classification (06012015). Collection method: clinical testing. Allele origin: germline. Affected: yes.
Comment: This variant is considered likely benign or benign based on one or more of the following criteria: it is a conservative change, it occurs at a poorly conserved position in the protein, it is predicted to be benign by multiple in silico algorithms, and/or has population frequency not consistent with disease.

NM_005609.4(PYGM):c.1518+7G>C

Gene: PYGM (glycogen phosphorylase, muscle associated; minus strand). Cytogenetic location: 11q13.1.
Variant type: single nucleotide variant.
Coding change: c.1518+7G>C on transcript NM_005609.4 (MANE Select); 7 bases into the intron after coding-DNA position 1518, G replaced by C.
Molecular consequence: intron variant.
Genome position (GRCh38, 1-based): chr11:64,753,066, C>G on the plus strand (G>C on the coding strand, the complement: PYGM is on the minus strand). VCF-style: chr11-64753066-C-G. GRCh37 (hg19) VCF-style: chr11-64520538-C-G.
Other names: c.1254+7G>C (NM_001164716.1).
Identifiers: ClinVar variation 389748 (VCV000389748.8), dbSNP rs749236693, ClinGen allele CA16605966.